The following is an entry in ClinVar:

ClinVar aggregate classification (germline): Uncertain significance (1 of 4 stars; one submission).

gnomAD v4.1: 2 of 1,211,863 alleles (0.00017%); highest among the groups gnomAD compares: Non-Finnish European, 0.00022%; no homozygotes.

Submission:

GeneDx
Classification: Uncertain significance. Last evaluated: 2024-07-03. Review status: criteria provided, single submitter. Criteria: GeneDx Variant Classification Process June 2021. Collection method: clinical testing. Allele origin: germline. Affected: yes.
Comment: Not observed at significant frequency in large population cohorts (gnomAD); In silico analysis supports that this missense variant has a deleterious effect on protein structure/function; Has not been previously published as pathogenic or benign to our knowledge

NM_001318510.2(ACSL4):c.327G>C (p.Lys109Asn)

Gene: ACSL4 (acyl-CoA synthetase long chain family member 4; minus strand). Cytogenetic location: Xq23.
Variant type: single nucleotide variant.
Coding change: c.327G>C on transcript NM_001318510.2 (MANE Select); coding-DNA position 327, G replaced by C.
Protein change: p.Lys109Asn; replaces lysine 109 with asparagine.
Molecular consequence: missense variant.
Genome position (GRCh38, 1-based): chrX:109,682,798, C>G on the plus strand (G>C on the coding strand, the complement: ACSL4 is on the minus strand). VCF-style: chrX-109682798-C-G. GRCh37 (hg19) VCF-style: chrX-108926027-C-G.
Other names: c.450G>C, p.Lys150Asn (NM_001318509.2, NM_022977.3); c.327G>C, p.Lys109Asn (NM_004458.3); short protein forms K109N, K150N.
Identifiers: ClinVar variation 3393571 (VCV003393571.1).